The following is an entry in ClinVar:

NM_000535.7(PMS2):c.482A>C (p.Gln161Pro)

Gene: PMS2 (PMS1 homolog 2, mismatch repair system component; minus strand). Cytogenetic location: 7p22.1.
Variant type: single nucleotide variant.
Coding change: c.482A>C on transcript NM_000535.7 (MANE Select); coding-DNA position 482, A replaced by C.
Protein change: p.Gln161Pro; replaces glutamine 161 with proline.
Molecular consequence: missense variant. On other transcripts: 5 prime UTR variant (2), non-coding transcript variant (1).
Genome position (GRCh38, 1-based): chr7:6,002,508, T>G on the plus strand (A>C on the coding strand, the complement: PMS2 is on the minus strand). VCF-style: chr7-6002508-T-G. GRCh37 (hg19) VCF-style: chr7-6042139-T-G.
Other names: c.77A>C, p.Gln26Pro (NM_001322003.2, NM_001322004.2, NM_001322005.2 and 3 more transcripts); c.482A>C, p.Gln161Pro (NM_001322006.2, NM_001322014.2); c.164A>C, p.Gln55Pro (NM_001322007.2, NM_001322008.2); c.482A>C (NM_000535.5); c.-403A>C (NM_001322011.2, NM_001322012.2); c.173A>C, p.Gln58Pro (NM_001322015.2); short protein forms Q161P, Q55P, Q26P, Q58P.
Identifiers: ClinVar variation 1513660 (VCV001513660.9), dbSNP rs1554303917, ClinGen allele CA366744266.

ClinVar aggregate classification (germline): Uncertain significance. Review status: criteria provided, multiple submitters, no conflicts (2 of 4 stars). 2 submissions from 2 submitters: Uncertain significance (2). Last evaluated 2023-06-24.

Conditions:
Hereditary nonpolyposis colorectal neoplasms. Identifiers: MedGen C0009405, MeSH D003123.
Hereditary cancer-predisposing syndrome. Also called: Tumor predisposition; Neoplastic Syndromes, Hereditary; Hereditary neoplastic syndrome; Hereditary Cancer Syndrome. Identifiers: Orphanet 140162, MedGen C0027672, MeSH D009386, MONDO:0015356.

Allele frequency attached by ClinVar (database versions not stated): gnomAD exomes below 0.00001.
gnomAD v4.1: 1 of 1,611,784 alleles (0.000062%); highest among the groups gnomAD compares: Non-Finnish European, 0.000085%; no homozygotes.

Submissions (2):

Ambry Genetics
Classification: Uncertain significance for Hereditary cancer-predisposing syndrome. Last evaluated: 2023-06-24. Review status: criteria provided, single submitter. Criteria: Ambry Variant Classification Scheme 2023. Collection method: clinical testing. Allele origin: germline.
Comment: The p.Q161P variant (also known as c.482A>C), located in coding exon 5 of the PMS2 gene, results from an A to C substitution at nucleotide position 482. The glutamine at codon 161 is replaced by proline, an amino acid with similar properties. This amino acid position is conserved. In addition, this alteration is predicted to be deleterious by in silico analysis. Since supporting evidence is limited at this time, the clinical significance of this alteration remains unclear.

Labcorp Genetics (formerly Invitae), Labcorp
Classification: Uncertain significance for Hereditary nonpolyposis colorectal neoplasms. Last evaluated: 2021-01-28. Review status: criteria provided, single submitter. Criteria: Invitae Variant Classification Sherloc (09022015). Collection method: clinical testing. Allele origin: germline.
Comment: In summary, the available evidence is currently insufficient to determine the role of this variant in disease. Therefore, it has been classified as a Variant of Uncertain Significance. Advanced modeling of protein sequence and biophysical properties (such as structural, functional, and spatial information, amino acid conservation, physicochemical variation, residue mobility, and thermodynamic stability) performed at Invitae indicates that this missense variant is not expected to disrupt PMS2 protein function. This variant has not been reported in the literature in individuals with PMS2-related conditions. This variant is not present in population databases (ExAC no frequency). This sequence change replaces glutamine with proline at codon 161 of the PMS2 protein (p.Gln161Pro). The glutamine residue is weakly conserved and there is a moderate physicochemical difference between glutamine and proline.